The following is an entry in ClinVar:

ClinVar aggregate classification (germline): Benign. Review status: criteria provided, multiple submitters, no conflicts (2 of 4 stars). 3 submissions from 3 submitters: Benign (2). 1 of the submissions does not count toward it. Last evaluated 2019-12-31.

Conditions:
MYCBP2-related disorder. Also called: MYCBP2-related condition.

Allele frequency attached by ClinVar (database versions not stated): 1000 Genomes Project 0.00419; 1000 Genomes Project 30x 0.00422; TOPMed 0.00768; gnomAD 0.00806 and 0.00809; gnomAD exomes 0.00807; ExAC 0.00820; ESP Exome Variant Server 0.00961.
gnomAD v4.1: 15,989 of 1,611,182 alleles (0.99%); highest among the groups gnomAD compares: Middle Eastern, 1.8%; 132 homozygotes.

Submissions (18):

Labcorp Genetics (formerly Invitae), Labcorp
Classification: Benign. Last evaluated: 2019-12-31. Review status: criteria provided, single submitter. Criteria: Invitae Variant Classification Sherloc (09022015). Collection method: clinical testing. Allele origin: germline.

Breakthrough Genomics
Classification: Benign. Review status: criteria provided, single submitter. Criteria: ACMG Guidelines, 2015. Collection method: not provided. Allele origin: germline. Inheritance: Unknown mechanism. Affected: yes.

PreventionGenetics, part of Exact Sciences
Classification: Benign for MYCBP2-related condition. Last evaluated: 2023-12-21. Review status: no assertion criteria provided. Collection method: clinical testing. Allele origin: germline. Not counted in ClinVar's aggregate classification.
Comment: This variant is classified as benign based on ACMG/AMP sequence variant interpretation guidelines (Richards et al. 2015 PMID: 25741868, with internal and published modifications).

Dr. Peter K. Rogan Lab, Western University
No classification provided (evidence only). Condition: Acute myeloid leukemia. Review status: no classification provided. Collection method: in vitro. Allele origin: not applicable. Functional consequence: retained intron. Not counted in ClinVar's aggregate classification.

Dr. Peter K. Rogan Lab, Western University
No classification provided (evidence only). Condition: Acute myeloid leukemia. Review status: no classification provided. Collection method: in vitro. Allele origin: not applicable. Functional consequence: retained intron. Not counted in ClinVar's aggregate classification.

Dr. Peter K. Rogan Lab, Western University
No classification provided (evidence only). Condition: Acute myeloid leukemia. Review status: no classification provided. Collection method: in vitro. Allele origin: not applicable. Functional consequence: retained intron. Not counted in ClinVar's aggregate classification.

Dr. Peter K. Rogan Lab, Western University
No classification provided (evidence only). Condition: Acute myeloid leukemia. Review status: no classification provided. Collection method: in vitro. Allele origin: not applicable. Functional consequence: retained intron. Not counted in ClinVar's aggregate classification.

Dr. Peter K. Rogan Lab, Western University
No classification provided (evidence only). Condition: Thyroid cancer, nonmedullary, 1. Review status: no classification provided. Collection method: in vitro. Allele origin: not applicable. Functional consequence: retained intron. Not counted in ClinVar's aggregate classification.

Dr. Peter K. Rogan Lab, Western University
No classification provided (evidence only). Condition: Thyroid cancer, nonmedullary, 1. Review status: no classification provided. Collection method: in vitro. Allele origin: not applicable. Functional consequence: retained intron. Not counted in ClinVar's aggregate classification.

Dr. Peter K. Rogan Lab, Western University
No classification provided (evidence only). Condition: Cervical cancer. Review status: no classification provided. Collection method: in vitro. Allele origin: not applicable. Functional consequence: retained intron. Not counted in ClinVar's aggregate classification.

Dr. Peter K. Rogan Lab, Western University
No classification provided (evidence only). Condition: Cervical cancer. Review status: no classification provided. Collection method: in vitro. Allele origin: not applicable. Functional consequence: retained intron. Not counted in ClinVar's aggregate classification.

Dr. Peter K. Rogan Lab, Western University
No classification provided (evidence only). Condition: Thymoma. Review status: no classification provided. Collection method: in vitro. Allele origin: not applicable. Functional consequence: retained intron. Not counted in ClinVar's aggregate classification.

Dr. Peter K. Rogan Lab, Western University
No classification provided (evidence only). Condition: Ovarian serous cystadenocarcinoma. Review status: no classification provided. Collection method: in vitro. Allele origin: not applicable. Functional consequence: retained intron. Not counted in ClinVar's aggregate classification.

Dr. Peter K. Rogan Lab, Western University
No classification provided (evidence only). Condition: Ovarian serous cystadenocarcinoma. Review status: no classification provided. Collection method: in vitro. Allele origin: not applicable. Functional consequence: retained intron. Not counted in ClinVar's aggregate classification.

Dr. Peter K. Rogan Lab, Western University
No classification provided (evidence only). Condition: Gastric cancer. Review status: no classification provided. Collection method: in vitro. Allele origin: not applicable. Functional consequence: retained intron. Not counted in ClinVar's aggregate classification.

Dr. Peter K. Rogan Lab, Western University
No classification provided (evidence only). Condition: Gastric cancer. Review status: no classification provided. Collection method: in vitro. Allele origin: not applicable. Functional consequence: retained intron. Not counted in ClinVar's aggregate classification.

Dr. Peter K. Rogan Lab, Western University
No classification provided (evidence only). Condition: Malignant tumor of esophagus. Review status: no classification provided. Collection method: in vitro. Allele origin: not applicable. Functional consequence: retained intron. Not counted in ClinVar's aggregate classification.

Dr. Peter K. Rogan Lab, Western University
No classification provided (evidence only). Condition: Malignant tumor of esophagus. Review status: no classification provided. Collection method: in vitro. Allele origin: not applicable. Functional consequence: retained intron. Not counted in ClinVar's aggregate classification.

NM_015057.5(MYCBP2):c.13755G>A (p.Gln4585=)

Gene: MYCBP2 (MYC binding protein 2; minus strand). Cytogenetic location: 13q22.3.
Variant type: single nucleotide variant.
Coding change: c.13755G>A on transcript NM_015057.5 (MANE Select); coding-DNA position 13755, G replaced by A.
Protein change: p.Gln4585=; no amino-acid change (glutamine 4585 retained).
Molecular consequence: synonymous variant.
Genome position (GRCh38, 1-based): chr13:77,051,811, C>T on the plus strand (G>A on the coding strand, the complement: MYCBP2 is on the minus strand). VCF-style: chr13-77051811-C-T. GRCh37 (hg19) VCF-style: chr13-77625946-C-T.
Other names: NC_000013.10:g.77625946C>T.
Identifiers: ClinVar variation 775345 (VCV000775345.8), dbSNP rs117836900, ClinGen allele CA7007594.